The following is an entry in ClinVar:

NM_201253.3(CRB1):c.1982G>T (p.Gly661Val)

Gene: CRB1 (crumbs cell polarity complex component 1; plus strand). Cytogenetic location: 1q31.3.
Variant type: single nucleotide variant.
Coding change: c.1982G>T on transcript NM_201253.3 (MANE Select); coding-DNA position 1982, G replaced by T.
Protein change: p.Gly661Val; replaces glycine 661 with valine.
Molecular consequence: missense variant. On other transcripts: non-coding transcript variant (2).
Genome position (GRCh38, 1-based): chr1:197,421,810, G>T. VCF-style: chr1-197421810-G-T. GRCh37 (hg19) VCF-style: chr1-197390940-G-T.
Other names: c.1646G>T, p.Gly549Val (NM_001193640.2); c.1775G>T, p.Gly592Val (NM_001257965.2); c.1982G>T, p.Gly661Val (NM_001257966.2); short protein forms G592V, G661V, G549V.
Identifiers: ClinVar variation 1406197 (VCV001406197.7), dbSNP rs780399679, ClinGen allele CA1312009.

ClinVar aggregate classification (germline): Uncertain significance. Review status: criteria provided, multiple submitters, no conflicts (2 of 4 stars). 2 submissions from 2 submitters: Uncertain significance (2). Last evaluated 2023-10-03.

Conditions:
Retinitis pigmentosa 12 (RP12). Also called: RP WITH OR WITHOUT PPRPE; RP WITH OR WITHOUT PRESERVED PARAARTERIOLE RETINAL PIGMENT EPITHELIUM; RETINITIS PIGMENTOSA WITH OR WITHOUT PARAARTERIOLAR PRESERVATION OF RETINAL PIGMENT EPITHELIUM. Identifiers: Orphanet 791, MedGen C1838647, MONDO:0010818, OMIM 600105.
Leber congenital amaurosis 8 (LCA8). Identifiers: Orphanet 65, MedGen C3151202, MONDO:0013453, OMIM 613835.

Allele frequency attached by ClinVar (database versions not stated): TOPMed below 0.00001; gnomAD exomes 0.00003 and 0.00005; ExAC 0.00004.
gnomAD v4.1: 41 of 1,614,084 alleles (0.0025%); highest among the groups gnomAD compares: South Asian, 0.043%; no homozygotes.

Submissions (2):

Labcorp Genetics (formerly Invitae), Labcorp
Classification: Uncertain significance for Leber congenital amaurosis 8; Retinitis pigmentosa 12. Last evaluated: 2023-10-03. Review status: criteria provided, single submitter. Criteria: Invitae Variant Classification Sherloc (09022015). Collection method: clinical testing. Allele origin: germline.
Comment: This sequence change replaces glycine, which is neutral and non-polar, with valine, which is neutral and non-polar, at codon 661 of the CRB1 protein (p.Gly661Val). This variant is present in population databases (rs780399679, gnomAD 0.04%). This variant has not been reported in the literature in individuals affected with CRB1-related conditions. ClinVar contains an entry for this variant (Variation ID: 1406197). Advanced modeling of protein sequence and biophysical properties (such as structural, functional, and spatial information, amino acid conservation, physicochemical variation, residue mobility, and thermodynamic stability) performed at Invitae indicates that this missense variant is expected to disrupt CRB1 protein function. In summary, the available evidence is currently insufficient to determine the role of this variant in disease. Therefore, it has been classified as a Variant of Uncertain Significance.

Blueprint Genetics
Classification: Uncertain significance. Last evaluated: 2018-10-09. Review status: criteria provided, single submitter. Criteria: ACMG Guidelines, 2015. Collection method: clinical testing. Allele origin: germline.